The following is an entry in ClinVar:

ClinVar aggregate classification (germline): Uncertain significance. Review status: criteria provided, multiple submitters, no conflicts (2 of 4 stars). 2 submissions from 2 submitters: Uncertain significance (2). Last evaluated 2025-05-16.

Conditions:
Baller-Gerold syndrome (BGS). Also called: CRANIOSYNOSTOSIS WITH RADIAL DEFECTS. Identifiers: Orphanet 1225, MedGen C0265308, MONDO:0009039, OMIM 218600.

Allele frequency attached by ClinVar (database versions not stated): gnomAD exomes below 0.00001; gnomAD 0.00001; TOPMed 0.00002.
gnomAD v4.1: 18 of 1,603,822 alleles (0.0011%); highest among the groups gnomAD compares: Admixed American, 0.0017%; no homozygotes.

Submissions (2):

Dasa
Classification: Uncertain significance. Last evaluated: 2025-05-16. Review status: criteria provided, single submitter. Criteria: DASA Assertion Criteria. Collection method: clinical testing. Allele origin: germline.
Comment: NM_004260.4(RECQL4):c.2347G>A (p.Val783Met) is a missense variant that results in the substitution of valine with methionine. This variant is rare in population databases. The currently available literature and clinical evidence are not sufficient to establish a definitive association between this variant and the reported condition. Therefore, this variant is classified as a variant of uncertain significance.

Labcorp Genetics (formerly Invitae), Labcorp
Classification: Uncertain significance for Baller-Gerold syndrome. Last evaluated: 2022-11-03. Review status: criteria provided, single submitter. Criteria: Invitae Variant Classification Sherloc (09022015). Collection method: clinical testing. Allele origin: germline.
Comment: In summary, the available evidence is currently insufficient to determine the role of this variant in disease. Therefore, it has been classified as a Variant of Uncertain Significance. Advanced modeling of protein sequence and biophysical properties (such as structural, functional, and spatial information, amino acid conservation, physicochemical variation, residue mobility, and thermodynamic stability) performed at Invitae indicates that this missense variant is expected to disrupt RECQL4 protein function. ClinVar contains an entry for this variant (Variation ID: 855476). This variant has not been reported in the literature in individuals affected with RECQL4-related conditions. This variant is not present in population databases (gnomAD no frequency). This sequence change replaces valine, which is neutral and non-polar, with methionine, which is neutral and non-polar, at codon 783 of the RECQL4 protein (p.Val783Met).

NM_004260.4(RECQL4):c.2347G>A (p.Val783Met)

Gene: RECQL4 (RecQ like helicase 4; minus strand). Cytogenetic location: 8q24.3.
Variant type: single nucleotide variant.
Coding change: c.2347G>A on transcript NM_004260.4 (MANE Select); coding-DNA position 2347, G replaced by A.
Protein change: p.Val783Met; replaces valine 783 with methionine.
Molecular consequence: missense variant.
Genome position (GRCh38, 1-based): chr8:144,513,334, C>T on the plus strand (G>A on the coding strand, the complement: RECQL4 is on the minus strand). VCF-style: chr8-144513334-C-T. GRCh37 (hg19) VCF-style: chr8-145738717-C-T.
Other names: short protein forms V783M.
Identifiers: ClinVar variation 855476 (VCV000855476.10), dbSNP rs1483530082, ClinGen allele CA372678305.